The following is an entry in ClinVar:

ClinVar aggregate classification (germline): Likely pathogenic. Review status: criteria provided, multiple submitters, no conflicts (2 of 4 stars). 2 submissions from 2 submitters: Likely pathogenic (2). Last evaluated 2025-08-21.

Conditions:
Autosomal recessive limb-girdle muscular dystrophy type 2J (LGMDR10). Also called: Limb-girdle muscular dystrophy, type 2J; MUSCULAR DYSTROPHY, LIMB-GIRDLE, AUTOSOMAL RECESSIVE 10. Identifiers: Orphanet 140922, MedGen C1837342, MONDO:0012127, OMIM 608807.
Dilated cardiomyopathy 1G (CMD1G). Identifiers: Orphanet 154, MedGen C1858763, MONDO:0011400, OMIM 604145.
Cardiovascular phenotype. Identifiers: MedGen CN230736.

Submissions (2):

Labcorp Genetics (formerly Invitae), Labcorp
Classification: Likely pathogenic for Dilated cardiomyopathy 1G; Autosomal recessive limb-girdle muscular dystrophy type 2J. Last evaluated: 2025-08-21. Review status: criteria provided, single submitter. Criteria: Invitae Variant Classification Sherloc (09022015). Collection method: clinical testing. Allele origin: germline.
Comment: This sequence change creates a premature translational stop signal (p.Leu27395*) in the TTN gene. While this is not anticipated to result in nonsense mediated decay, it is expected to create a truncated TTN protein. This variant is not present in population databases (gnomAD no frequency). This variant has not been reported in the literature in individuals affected with TTN-related conditions. ClinVar contains an entry for this variant (Variation ID: 1747886). This variant is located in the A band of TTN (PMID: 25589632). Truncating variants in this region are significantly overrepresented in patients affected with dilated cardiomyopathy (PMID: 25589632). Truncating variants in this region have also been reported in individuals affected with autosomal recessive centronuclear myopathy (PMID: 23975875). In summary, the currently available evidence indicates that the variant is pathogenic, but additional data are needed to prove that conclusively. Therefore, this variant has been classified as Likely Pathogenic.

Ambry Genetics
Classification: Likely pathogenic for Cardiovascular phenotype. Last evaluated: 2020-12-03. Review status: criteria provided, single submitter. Criteria: Ambry Variant Classification Scheme 2023. Collection method: clinical testing. Allele origin: germline.
Comment: The p.L18330* variant (also known as c.54989T>A), located in coding exon 153 of the TTN gene, results from a T to A substitution at nucleotide position 54989. This changes the amino acid from a leucine to a stop codon within coding exon 153. This exon is located in the A-band region of the N2-B isoform of the titin protein and is constitutively expressed in TTN transcripts (percent spliced in or PSI 100%). This alteration is expected to result in loss of function by premature protein truncation or nonsense-mediated mRNA decay. While truncating variants in TTN are present in 1-3% of the general population, truncating variants in the A-band are the most common cause of dilated cardiomyopathy (DCM) (Herman DS et al. N. Engl. J. Med., 2012 Feb;366:619-28; Roberts AM et al. Sci Transl Med, 2015 Jan;7:270ra6). TTN truncating variants encoded in constitutive exons (PSI >90%) have been found to be significantly associated with DCM regardless of their position in titin (Schafer S et al. Nat. Genet., 2017 01;49:46-53). As such, this alteration is classified as likely pathogenic.

Literature cited by the submitters: PubMed 25589632 (cited by Labcorp Genetics (formerly Invitae), Labcorp); PubMed 23975875 (cited by Labcorp Genetics (formerly Invitae), Labcorp).

NM_001267550.2(TTN):c.82184T>A (p.Leu27395Ter)

Genes: TTN (titin; minus strand), TTN-AS1 (TTN antisense RNA 1; plus strand). Cytogenetic location: 2q31.2.
Variant type: single nucleotide variant.
Coding change: c.82184T>A on transcript NM_001267550.2 (MANE Select); coding-DNA position 82184, T replaced by A.
Protein change: p.Leu27395Ter; replaces leucine 27395 with a stop codon.
Molecular consequence: nonsense.
Genome position (GRCh38, 1-based): chr2:178,563,948, A>T on the plus strand (T>A on the coding strand, the complement: TTN is on the minus strand). VCF-style: chr2-178563948-A-T. GRCh37 (hg19) VCF-style: chr2-179428675-A-T.
Other names: c.77261T>A, p.Leu25754Ter (NM_001256850.1); c.54989T>A, p.Leu18330Ter (NM_003319.4); c.74480T>A, p.Leu24827Ter (NM_133378.4); c.55364T>A, p.Leu18455Ter (NM_133432.3); c.55565T>A, p.Leu18522Ter (NM_133437.4); short protein forms L18330*, L24827*, L25754*, L27395*, L18455*, L18522*.
Identifiers: ClinVar variation 1747886 (VCV001747886.3), dbSNP rs2468186675, ClinGen allele CA349575009.
Genomic context (GRCh38, chr2:178,563,948, plus strand): 5'-AGTCGGCTTGTCTCCCTCTTTTCAATGATGTAATGTGAAATATTAGCACCACCATCTTGC[A>T]AAGGTGGGTTCCATGCCAGGTAACATTTTTCCGCAGTAACTCCAGTAACTTTCAGAGGCC-3'